The following is an entry in ClinVar:

NM_002834.5(PTPN11):c.1746C>T (p.Asn582=)

Gene: PTPN11 (protein tyrosine phosphatase non-receptor type 11; plus strand). Cytogenetic location: 12q24.13.
Variant type: single nucleotide variant.
Coding change: c.1746C>T on transcript NM_002834.5 (MANE Select); coding-DNA position 1746, C replaced by T.
Protein change: p.Asn582=; no amino-acid change (asparagine 582 retained).
Molecular consequence: synonymous variant.
Genome position (GRCh38, 1-based): chr12:112,504,728, C>T. VCF-style: chr12-112504728-C-T. GRCh37 (hg19) VCF-style: chr12-112942532-C-T.
Other names: c.1758C>T, p.Asn586= (NM_001330437.2); c.1743C>T, p.Asn581= (NM_001374625.1).
Identifiers: ClinVar variation 44602 (VCV000044602.52), dbSNP rs397516800, ClinGen allele CA134656.

ClinVar aggregate classification (germline): Benign/Likely benign. Review status: criteria provided, multiple submitters, no conflicts (2 of 4 stars). 10 submissions from 10 submitters: Benign (4); Likely benign (6). Last evaluated 2026-07-01.

Conditions:
Cardiovascular phenotype. Identifiers: MedGen CN230736.
Metachondromatosis (METCDS). Identifiers: Orphanet 2499, MedGen C0410530, MONDO:0007979, OMIM 156250.
Juvenile myelomonocytic leukemia (JMML). Also called: LEUKEMIA, JUVENILE MYELOMONOCYTIC, SOMATIC. Identifiers: Orphanet 86834, MedGen C0349639, MONDO:0011908, OMIM 607785, HP:0012209.
Noonan syndrome 1 (NS1). Also called: TURNER PHENOTYPE WITH NORMAL KARYOTYPE; PTPN11-Related Noonan Syndrome; FEMALE PSEUDO-TURNER SYNDROME. Identifiers: Orphanet 648, MedGen C4551602, MONDO:0008104, OMIM 163950. Disease mechanism: gain of function.
LEOPARD syndrome 1 (LPRD1). Also called: LENTIGINOSIS, CARDIOMYOPATHIC; MULTIPLE LENTIGINES SYNDROME; PTPN11-Related LEOPARD Syndrome. Identifiers: Orphanet 500, MedGen C4551484, MONDO:0100082, OMIM 151100.
RASopathy. Also called: rasopathies; Noonan spectrum disorder. Identifiers: Orphanet 536391, MedGen C5555857, MONDO:0021060.

Allele frequency attached by ClinVar (database versions not stated): gnomAD 0.00013 and 0.00014; gnomAD exomes 0.00010; ExAC 0.00010; TOPMed 0.00016.
gnomAD v4.1: 165 of 1,593,252 alleles (0.01%); highest among the groups gnomAD compares: Admixed American, 0.013%; no homozygotes.

Submissions (10):

CeGaT Center for Human Genetics Tuebingen
Classification: Likely benign. Last evaluated: 2026-07-01. Review status: criteria provided, single submitter. Criteria: CeGaT Center For Human Genetics Tuebingen Variant Classification Criteria Version 2. Collection method: clinical testing. Allele origin: germline. Affected: yes. Observed: 4 variant alleles.
Comment: PTPN11: BP4, BP7

Labcorp Genetics (formerly Invitae), Labcorp
Classification: Likely benign for RASopathy. Last evaluated: 2026-01-13. Review status: criteria provided, single submitter. Criteria: Invitae Variant Classification Sherloc (09022015). Collection method: clinical testing. Allele origin: germline.

Laboratory of Genetics, Children's Clinical University Hospital Latvia
Classification: Benign. Last evaluated: 2025-02-16. Review status: criteria provided, single submitter. Criteria: ACMG Guidelines, 2015. Collection method: clinical testing. Allele origin: germline. Affected: yes.

Blueprint Genetics
Classification: Likely benign. Last evaluated: 2024-11-08. Review status: criteria provided, single submitter. Criteria: ACMG Guidelines, 2015. Collection method: clinical testing. Allele origin: germline.

Fulgent Genetics
Classification: Likely benign for LEOPARD syndrome 1; Metachondromatosis; Noonan syndrome 1; Juvenile myelomonocytic leukemia. Last evaluated: 2021-12-27. Review status: criteria provided, single submitter. Criteria: ACMG Guidelines, 2015. Collection method: clinical testing. Allele origin: unknown.

Women's Health and Genetics/Laboratory Corporation of America, LabCorp
Classification: Benign. Last evaluated: 2019-06-10. Review status: criteria provided, single submitter. Criteria: LabCorp Variant Classification Summary - May 2015. Collection method: clinical testing. Allele origin: germline.
Comment: Variant summary: PTPN11 c.1746C>T results in a synonymous change. 5/5 computational tools predict no significant impact on normal splicing. However, these predictions have yet to be confirmed by functional studies. The variant allele was found at a frequency of 0.0001 in 250916 control chromosomes, predominantly at a frequency of 0.00017 within the Non-Finnish European subpopulation in the gnomAD database. The observed variant frequency within Non-Finnish European control individuals in the gnomAD database is approximately 3-folds higher than the estimated maximal expected allele frequency for a pathogenic variant in PTPN11 causing Noonan Syndrome and Related Conditions phenotype (6.3e-05), strongly suggesting that the variant is a benign polymorphism found primarily in populations of Non-Finnish European origin. To our knowledge, no occurrence of c.1746C>T in individuals affected with Noonan Syndrome and Related Conditions and no experimental evidence demonstrating its impact on protein function have been reported. Three ClinVar submissions from clinical diagnostic laboratories (evaluation after 2014) cite the variant as likely benign/benign. Based on the evidence outlined above, the variant was classified as benign.

Ambry Genetics
Classification: Likely benign for Cardiovascular phenotype. Last evaluated: 2017-12-12. Review status: criteria provided, single submitter. Criteria: Ambry Variant Classification Scheme 2023. Collection method: clinical testing. Allele origin: germline.

Laboratory for Molecular Medicine, Mass General Brigham Personalized Medicine
Classification: Benign. Last evaluated: 2015-04-07. Review status: criteria provided, single submitter. Criteria: LMM Criteria. Collection method: clinical testing. Allele origin: germline. Observed: 4 variant alleles.
Comment: p.Asn582Asn in exon 15 of PTPN11: This variant is not expected to have clinical significance because it does not alter an amino acid residue and is not located within the splice consensus sequence. It has been identified in 4/15702 South As ian chromosomes and 8/63828 European chromosomes by the Exome Aggregation Consor tium (ExAC; dbSNP rs397516800 ). Furthermore, it has been identified by our laboratory in an unaffected mother and 2 individuals with features of Noonan syndrome, one of which also carried another variant in PTPN11 sufficient to explain their disease.

GeneDx
Classification: Benign. Last evaluated: 2015-03-03. Review status: criteria provided, single submitter. Criteria: GeneDx Variant Classification Process June 2021. Collection method: clinical testing. Allele origin: germline. Affected: yes.

PreventionGenetics, part of Exact Sciences
Classification: Likely benign. Review status: criteria provided, single submitter. Criteria: ACMG Guidelines, 2015. Collection method: clinical testing. Allele origin: germline.